The following is an entry in ClinVar:

ClinVar aggregate classification (germline): Uncertain significance (1 of 4 stars; one submission).

Allele frequency attached by ClinVar (database versions not stated): gnomAD exomes below 0.00001.
gnomAD v4.1: 1 of 1,614,180 alleles (0.000062%); highest among the groups gnomAD compares: South Asian, 0.0011%; no homozygotes.

Submission:

Ambry Genetics
Classification: Uncertain significance. Last evaluated: 2025-10-01. Review status: criteria provided, single submitter. Criteria: Ambry Variant Classification Scheme 2023. Collection method: clinical testing. Allele origin: germline.
Comment: The p.L1733F variant (also known as c.5199G>C), located in coding exon 45 of the KIF1B gene, results from a G to C substitution at nucleotide position 5199. The leucine at codon 1733 is replaced by phenylalanine, an amino acid with highly similar properties. This amino acid position is conserved. In addition, this alteration is predicted to be tolerated by in silico analysis. Since supporting evidence is limited at this time, the clinical significance of this alteration remains unclear.

NM_001365951.3(KIF1B):c.5337G>C (p.Leu1779Phe)

Gene: KIF1B (kinesin family member 1B; plus strand). Cytogenetic location: 1p36.22.
Variant type: single nucleotide variant.
Coding change: c.5337G>C on transcript NM_001365951.3 (MANE Select); coding-DNA position 5337, G replaced by C.
Protein change: p.Leu1779Phe; replaces leucine 1779 with phenylalanine.
Molecular consequence: missense variant.
Genome position (GRCh38, 1-based): chr1:10,375,302, G>C. VCF-style: chr1-10375302-G-C. GRCh37 (hg19) VCF-style: chr1-10435360-G-C.
Other names: c.5337G>C, p.Leu1779Phe (NM_001365952.1); c.5199G>C, p.Leu1733Phe (NM_015074.3); short protein forms L1779F, L1733F.
Identifiers: ClinVar variation 2448795 (VCV002448795.4), dbSNP rs2521986508, ClinGen allele CA338331849.
Genomic context (GRCh38, chr1:10,375,302, plus strand): 5'-ATTTTTCTTTCAGACACCAAACACCTTTGCTGTCTGCACAAAGCACCGTGGGGTCCTTTT[G>C]CAGGCCCTCAATGACAAAGACATGAACGACTGGTTGTATGCCTTCAACCCACTTCTAGCT-3'
Protein context (NP_001352880.1, residues 1769-1789): AVCTKHRGVL[Leu1779Phe]QALNDKDMND